The following is an entry in ClinVar:

ClinVar aggregate classification (germline): Likely pathogenic (1 of 4 stars; one submission).

Conditions:
KMT5B-related disorder. Also called: KMT5B-related condition.

Submission:

PreventionGenetics, part of Exact Sciences
Classification: Likely pathogenic for KMT5B-related condition. Last evaluated: 2025-02-12. Review status: criteria provided, single submitter. Criteria: ACMG Guidelines, 2015. Collection method: clinical testing. Allele origin: germline.
Comment: The KMT5B c.919_921delTAT variant is predicted to result in an in-frame deletion (p.Tyr307del). To our knowledge, this variant has not been reported in the literature or in a large population database (gnomAD), indicating this variant is rare. This variant is within the SET domain of the Kmt5b protein, which is a hotspot for missense and loss-of-function variants associated with KMT5B-related neurodevelopmental disorders (Sheppard et al. 2023 PubMed ID: 36897941). This variant is interpreted as likely pathogenic.

NM_017635.5(KMT5B):c.916TAT[1] (p.Tyr307del)

Gene: KMT5B (lysine methyltransferase 5B; minus strand). Cytogenetic location: 11q13.2.
Variant type: Microsatellite.
Coding change: c.916TAT[1] on transcript NM_017635.5 (MANE Select); one copy of the 3-base unit TAT starting at c.916; the reference has two copies in a row; one copy, 3 bases deleted.
Protein change: p.Tyr307del; deletes tyrosine 307.
Molecular consequence: inframe deletion. On other transcripts: non-coding transcript variant (3).
Genome position (GRCh38, 1-based): chr11:68,171,071-68,171,073, ATA deleted on the plus strand (TAT on the coding strand, the reverse complement: KMT5B is on the minus strand); deleting any 3 consecutive bases within chr11:68,171,071-68,171,077 gives the same sequence; the position shown is the placement nearest the transcript's 3' end. VCF-style (leftmost placement, unchanged base first): chr11-68171070-CATA-C. GRCh37 (hg19) VCF-style: chr11-67938537-CATA-C.
Other names: c.400TAT[1], p.Tyr135del (NM_001300907.1, NM_001369424.1, NM_001369428.1 and 5 more transcripts); c.196TAT[1], p.Tyr67del (NM_001300908.2); c.847TAT[1], p.Tyr284del (NM_001300909.2); c.916TAT[1], p.Tyr307del (NM_001363566.2, NM_001369426.1, NM_001369427.1 and 1 more transcripts); c.703TAT[1], p.Tyr236del (NM_001369425.1); short protein forms Y284del, Y307del, Y135del, Y67del, Y236del.
Identifiers: ClinVar variation 4984524 (VCV004984524.1).